The following is an entry in ClinVar:

NM_000660.7(TGFB1):c.439C>T (p.Pro147Ser)

Gene: TGFB1 (transforming growth factor beta 1; minus strand). Cytogenetic location: 19q13.2.
Variant type: single nucleotide variant.
Coding change: c.439C>T on transcript NM_000660.7 (MANE Select); coding-DNA position 439, C replaced by T.
Protein change: p.Pro147Ser; replaces proline 147 with serine.
Molecular consequence: missense variant.
Genome position (GRCh38, 1-based): chr19:41,348,372, G>A on the plus strand (C>T on the coding strand, the complement: TGFB1 is on the minus strand). VCF-style: chr19-41348372-G-A. GRCh37 (hg19) VCF-style: chr19-41854277-G-A.
Other names: short protein forms P147S.
Identifiers: ClinVar variation 3652739 (VCV003652739.2).
Genomic context (GRCh38, chr19:41,348,372, plus strand): 5'-GCTGCTCCACTTTTAACTTGAGCCTCAGCAGACGCAGCTCTGCCCGGGAGAGCAACACGG[G>A]TTCAGGTACCGCTTCTCGGAGCTCTGATGTGTTGAAGAACATATATATGCTGTGTGTACT-3'
Protein context (NP_000651.3, residues 137-157): TSELREAVPE[Pro147Ser]VLLSRAELRL

ClinVar aggregate classification (germline): Uncertain significance (1 of 4 stars; one submission).

Submission:

Labcorp Genetics (formerly Invitae), Labcorp
Classification: Uncertain significance. Last evaluated: 2024-07-08. Review status: criteria provided, single submitter. Criteria: Invitae Variant Classification Sherloc (09022015). Collection method: clinical testing. Allele origin: germline.
Comment: This sequence change replaces proline, which is neutral and non-polar, with serine, which is neutral and polar, at codon 147 of the TGFB1 protein (p.Pro147Ser). The frequency data for this variant in the population databases is considered unreliable, as metrics indicate poor data quality at this position in the gnomAD database. This variant has not been reported in the literature in individuals affected with TGFB1-related conditions. Advanced modeling of protein sequence and biophysical properties (such as structural, functional, and spatial information, amino acid conservation, physicochemical variation, residue mobility, and thermodynamic stability) performed at Invitae indicates that this missense variant is not expected to disrupt TGFB1 protein function with a negative predictive value of 80%. In summary, the available evidence is currently insufficient to determine the role of this variant in disease. Therefore, it has been classified as a Variant of Uncertain Significance.